The following is an entry in ClinVar:

NM_001277115.2(DNAH11):c.7266+8T>A

Gene: DNAH11 (dynein axonemal heavy chain 11; plus strand). Cytogenetic location: 7p15.3.
Variant type: single nucleotide variant.
Coding change: c.7266+8T>A on transcript NM_001277115.2 (MANE Select); 8 bases into the intron after coding-DNA position 7266, T replaced by A.
Molecular consequence: intron variant.
Genome position (GRCh38, 1-based): chr7:21,720,864, T>A. VCF-style: chr7-21720864-T-A. GRCh37 (hg19) VCF-style: chr7-21760482-T-A.
Identifiers: ClinVar variation 1052215 (VCV001052215.2), dbSNP rs1486256470, ClinGen allele CA572921690.

ClinVar aggregate classification (germline): Uncertain significance (1 of 4 stars; one submission).

Conditions:
Primary ciliary dyskinesia. Also called: Ciliary dyskinesia. Identifiers: Orphanet 244, MedGen C0008780, MONDO:0016575, HP:0012265.

Allele frequency attached by ClinVar (database versions not stated): gnomAD exomes 0.00001.
gnomAD v4.1: 4 of 1,610,698 alleles (0.00025%); highest among the groups gnomAD compares: Non-Finnish European, 0.00034%; no homozygotes.

Submission:

Labcorp Genetics (formerly Invitae), Labcorp
Classification: Uncertain significance for Primary ciliary dyskinesia. Last evaluated: 2018-04-14. Review status: criteria provided, single submitter. Criteria: Invitae Variant Classification Sherloc (09022015). Collection method: clinical testing. Allele origin: germline.
Comment: This sequence change falls in intron 44 of the DNAH11 gene. It does not directly change the encoded amino acid sequence of the DNAH11 protein, but it affects a nucleotide within the consensus splice site of the intron. This variant is not present in population databases (ExAC no frequency). This variant has not been reported in the literature in individuals with DNAH11-related disease. Nucleotide substitutions within the consensus splice site are a relatively common cause of aberrant splicing (PMID: 17576681, 9536098). Algorithms developed to predict the effect of sequence changes on RNA splicing suggest that this variant is not likely to affect RNA splicing, but this prediction has not been confirmed by published transcriptional studies. In summary, the available evidence is currently insufficient to determine the role of this variant in disease. Therefore, it has been classified as a Variant of Uncertain Significance.

Literature cited by the submitters: PubMed 17576681; PubMed 9536098.